The following is an entry in ClinVar:

NM_017849.4(TMEM127):c.136A>T (p.Thr46Ser)

Gene: TMEM127 (transmembrane protein 127; minus strand). Cytogenetic location: 2q11.2.
Variant type: single nucleotide variant.
Coding change: c.136A>T on transcript NM_017849.4 (MANE Select); coding-DNA position 136, A replaced by T.
Protein change: p.Thr46Ser; replaces threonine 46 with serine.
Molecular consequence: missense variant.
Genome position (GRCh38, 1-based): chr2:96,265,246, T>A on the plus strand (A>T on the coding strand, the complement: TMEM127 is on the minus strand). VCF-style: chr2-96265246-T-A. GRCh37 (hg19) VCF-style: chr2-96930984-T-A.
Other names: c.136A>T, p.Thr46Ser (NM_001193304.3); short protein forms T46S.
Identifiers: ClinVar variation 819022 (VCV000819022.14), dbSNP rs144659242, ClinGen allele CA347656044.

ClinVar aggregate classification (germline): Uncertain significance. Review status: criteria provided, multiple submitters, no conflicts (2 of 4 stars). 2 submissions from 2 submitters: Uncertain significance (2). Last evaluated 2025-08-12.

Conditions:
Hereditary cancer-predisposing syndrome. Also called: Hereditary Cancer Syndrome; Tumor predisposition; Neoplastic Syndromes, Hereditary; Hereditary neoplastic syndrome. Identifiers: Orphanet 140162, MedGen C0027672, MeSH D009386, MONDO:0015356.
Hereditary pheochromocytoma and paraganglioma. Also called: Hereditary pheochromocytoma-paraganglioma; Hereditary paragangliomas and pheochromocytomas; Hereditary Paraganglioma-Pheochromocytoma Syndromes. Identifiers: Orphanet 29072, MedGen C4274332, MONDO:0017366.

Submissions (2):

Labcorp Genetics (formerly Invitae), Labcorp
Classification: Uncertain significance for Hereditary pheochromocytoma and paraganglioma. Last evaluated: 2025-08-12. Review status: criteria provided, single submitter. Criteria: Invitae Variant Classification Sherloc (09022015). Collection method: clinical testing. Allele origin: germline.
Comment: This sequence change replaces threonine, which is neutral and polar, with serine, which is neutral and polar, at codon 46 of the TMEM127 protein (p.Thr46Ser). This variant is not present in population databases (gnomAD no frequency). This variant has not been reported in the literature in individuals affected with TMEM127-related conditions. ClinVar contains an entry for this variant (Variation ID: 819022). An algorithm developed to predict the effect of missense changes on protein structure and function (PolyPhen-2) suggests that this variant is likely to be tolerated. In summary, the available evidence is currently insufficient to determine the role of this variant in disease. Therefore, it has been classified as a Variant of Uncertain Significance.

Ambry Genetics
Classification: Uncertain significance for Hereditary cancer-predisposing syndrome. Last evaluated: 2025-01-05. Review status: criteria provided, single submitter. Criteria: Ambry Variant Classification Scheme 2023. Collection method: clinical testing. Allele origin: germline.
Comment: The p.T46S variant (also known as c.136A>T), located in coding exon 1 of the TMEM127 gene, results from an A to T substitution at nucleotide position 136. The threonine at codon 46 is replaced by serine, an amino acid with similar properties. This amino acid position is highly conserved in available vertebrate species. In addition, the in silico prediction for this alteration is inconclusive. Since supporting evidence is limited at this time, the clinical significance of this alteration remains unclear.